The following is an entry in ClinVar:

ClinVar aggregate classification (germline): Uncertain significance (1 of 4 stars; one submission).

gnomAD v4.1: 3 of 1,211,746 alleles (0.00025%); highest among the groups gnomAD compares: Admixed American, 0.0043%; no homozygotes.

Submission:

Ambry Genetics
Classification: Uncertain significance. Last evaluated: 2026-01-21. Review status: criteria provided, single submitter. Criteria: Ambry Variant Classification Scheme 2023. Collection method: clinical testing. Allele origin: germline.
Comment: The c.4408G>C (p.D1470H) alteration is located in exon 8 (coding exon 8) of the BCORL1 gene. This alteration results from a G to C substitution at nucleotide position 4408, causing the aspartic acid (D) at amino acid position 1470 to be replaced by a histidine (H). Based on data from gnomAD, the C allele has an overall frequency of <0.001% (1/183270) total alleles studied. The highest observed frequency was 0.004% (1/27418) of Latino alleles. Based on insufficient or conflicting evidence, the clinical significance of this alteration remains unclear.

NM_001379451.1(BCORL1):c.4630G>C (p.Asp1544His)

Gene: BCORL1 (BCL6 corepressor like 1; plus strand). Cytogenetic location: Xq26.1.
Variant type: single nucleotide variant.
Coding change: c.4630G>C on transcript NM_001379451.1 (MANE Select); coding-DNA position 4630, G replaced by C.
Protein change: p.Asp1544His; replaces aspartic acid 1544 with histidine.
Molecular consequence: missense variant.
Genome position (GRCh38, 1-based): chrX:130,037,469, G>C. VCF-style: chrX-130037469-G-C. GRCh37 (hg19) VCF-style: chrX-129171444-G-C.
Other names: c.4630G>C, p.Asp1544His (NM_001441326.1, NM_001441327.1, NM_001441328.1 and 2 more transcripts); c.4240G>C, p.Asp1414His (NM_001441329.1, NM_001441330.1, NM_001441331.1 and 1 more transcripts); c.4408G>C, p.Asp1470His (NM_021946.5); short protein forms D1414H, D1544H, D1470H.
Identifiers: ClinVar variation 4827942 (VCV004827942.1).